The following is an entry in ClinVar:

NM_001164277.2(SLC37A4):c.523C>G (p.Leu175Val)

Gene: SLC37A4 (solute carrier family 37 member 4; minus strand). Cytogenetic location: 11q23.3.
Variant type: single nucleotide variant.
Coding change: c.523C>G on transcript NM_001164277.2 (MANE Select); coding-DNA position 523, C replaced by G.
Protein change: p.Leu175Val; replaces leucine 175 with valine.
Molecular consequence: missense variant.
Genome position (GRCh38, 1-based): chr11:119,027,731, G>C on the plus strand (C>G on the coding strand, the complement: SLC37A4 is on the minus strand). VCF-style: chr11-119027731-G-C. GRCh37 (hg19) VCF-style: chr11-118898441-G-C.
Other names: c.523C>G, p.Leu175Val (NM_001164278.2, NM_001164280.2, NM_001467.6); c.304C>G, p.Leu102Val (NM_001164279.2); short protein forms L102V, L175V.
Identifiers: ClinVar variation 1746276 (VCV001746276.6), dbSNP rs1012680275, ClinGen allele CA229599061.

ClinVar aggregate classification (germline): Uncertain significance. Review status: criteria provided, multiple submitters, no conflicts (2 of 4 stars). 3 submissions from 3 submitters: Uncertain significance (2). 1 of the submissions does not count toward it. Last evaluated 2025-12-15.

Conditions:
Inborn genetic diseases. Identifiers: MedGen C0950123, MeSH D030342.
Glucose-6-phosphate transport defect (GSD1B). Also called: Glycogen Storage Disease Type Ib; GSD Ib. Identifiers: Orphanet 364, Orphanet 79259, MedGen C0268146, MONDO:0009288, OMIM 232220.

Allele frequency attached by ClinVar (database versions not stated): gnomAD 0.00001; TOPMed 0.00002.

Submissions (3):

Labcorp Genetics (formerly Invitae), Labcorp
Classification: Uncertain significance for Glucose-6-phosphate transport defect. Last evaluated: 2025-12-15. Review status: criteria provided, single submitter. Criteria: Invitae Variant Classification Sherloc (09022015). Collection method: clinical testing. Allele origin: germline.
Comment: This sequence change replaces leucine, which is neutral and non-polar, with valine, which is neutral and non-polar, at codon 175 of the SLC37A4 protein (p.Leu175Val). This variant is not present in population databases (gnomAD no frequency). This variant has not been reported in the literature in individuals affected with SLC37A4-related conditions. ClinVar contains an entry for this variant (Variation ID: 1746276). Invitae Evidence Modeling of protein sequence and biophysical properties (such as structural, functional, and spatial information, amino acid conservation, physicochemical variation, residue mobility, and thermodynamic stability) indicates that this missense variant is not expected to disrupt SLC37A4 protein function with a negative predictive value of 80%. In summary, the available evidence is currently insufficient to determine the role of this variant in disease. Therefore, it has been classified as a Variant of Uncertain Significance.

Ambry Genetics
Classification: Uncertain significance for Inborn genetic diseases. Last evaluated: 2022-07-17. Review status: criteria provided, single submitter. Criteria: Ambry Variant Classification Scheme 2023. Collection method: clinical testing. Allele origin: germline.
Comment: The p.L175V variant (also known as c.523C>G), located in coding exon 3 of the SLC37A4 gene, results from a C to G substitution at nucleotide position 523. The leucine at codon 175 is replaced by valine, an amino acid with highly similar properties. This amino acid position is conserved. In addition, this alteration is predicted to be tolerated by in silico analysis. Since supporting evidence is limited at this time, the clinical significance of this alteration remains unclear.

Natera, Inc.
Classification: Uncertain significance for Glycogen storage disease type Ib. Last evaluated: 2025-04-10. Review status: no assertion criteria provided. Collection method: clinical testing. Allele origin: germline. Not counted in ClinVar's aggregate classification.